The following is an entry in ClinVar:

ClinVar aggregate classification (germline): Uncertain significance (1 of 4 stars; one submission).

Conditions:
Nemaline myopathy 10 (NEM10). Identifiers: MedGen C4015360, MONDO:0014513, OMIM 616165.

Allele frequency attached by ClinVar (database versions not stated): gnomAD exomes below 0.00001; TOPMed below 0.00001; gnomAD 0.00001.
gnomAD v4.1: 5 of 1,596,182 alleles (0.00031%); highest among the groups gnomAD compares: Non-Finnish European, 0.00043%; no homozygotes.

Submission:

Labcorp Genetics (formerly Invitae), Labcorp
Classification: Uncertain significance for Nemaline myopathy 10. Last evaluated: 2022-08-15. Review status: criteria provided, single submitter. Criteria: Invitae Variant Classification Sherloc (09022015). Collection method: clinical testing. Allele origin: germline.
Comment: Algorithms developed to predict the effect of missense changes on protein structure and function (SIFT, PolyPhen-2, Align-GVGD) all suggest that this variant is likely to be tolerated. In summary, the available evidence is currently insufficient to determine the role of this variant in disease. Therefore, it has been classified as a Variant of Uncertain Significance. This variant has not been reported in the literature in individuals affected with LMOD3-related conditions. This variant is not present in population databases (gnomAD no frequency). This sequence change replaces asparagine, which is neutral and polar, with aspartic acid, which is acidic and polar, at codon 183 of the LMOD3 protein (p.Asn183Asp).

NM_198271.5(LMOD3):c.547A>G (p.Asn183Asp)

Gene: LMOD3 (leiomodin 3; minus strand). Cytogenetic location: 3p14.1.
Variant type: single nucleotide variant.
Coding change: c.547A>G on transcript NM_198271.5 (MANE Select); coding-DNA position 547, A replaced by G.
Protein change: p.Asn183Asp; replaces asparagine 183 with aspartic acid.
Molecular consequence: missense variant.
Genome position (GRCh38, 1-based): chr3:69,119,808, T>C on the plus strand (A>G on the coding strand, the complement: LMOD3 is on the minus strand). VCF-style: chr3-69119808-T-C. GRCh37 (hg19) VCF-style: chr3-69168959-T-C.
Other names: c.547A>G, p.Asn183Asp (NM_001304418.3); short protein forms N183D.
Identifiers: ClinVar variation 2066866 (VCV002066866.2), dbSNP rs1458376035, ClinGen allele CA353476040.